The following is an entry in ClinVar:

NM_001008212.2(OPTN):c.1713C>A (p.His571Gln)

Gene: OPTN (optineurin; plus strand). Cytogenetic location: 10p13.
Variant type: single nucleotide variant.
Coding change: c.1713C>A on transcript NM_001008212.2 (MANE Select); coding-DNA position 1713, C replaced by A.
Protein change: p.His571Gln; replaces histidine 571 with glutamine.
Molecular consequence: missense variant.
Genome position (GRCh38, 1-based): chr10:13,136,845, C>A. VCF-style: chr10-13136845-C-A. GRCh37 (hg19) VCF-style: chr10-13178845-C-A.
Other names: c.1713C>A, p.His571Gln (NM_001008211.1, NM_001008213.1, NM_021980.4); short protein forms H571Q.
Identifiers: ClinVar variation 4820025 (VCV004820025.2).
Genomic context (GRCh38, chr10:13,136,845, plus strand): 5'-GATTCATTCCTGCCCCAAGTGTGGAGAGGTTCTGCCTGACATAGACACGTTACAGATTCA[C>A]GTGATGGATTGCATCATTTAAGTGTTGATGTATCACCTCCCCAAAACTGTTGGTAAATGT-3'
Protein context (NP_001008213.1, residues 561-577): VLPDIDTLQI[His571Gln]VMDCII

ClinVar aggregate classification (germline): Uncertain significance (1 of 4 stars; one submission).

Conditions:
Amyotrophic lateral sclerosis (ALS). Also called: Lou Gehrig disease; Charcot disease. Identifiers: Orphanet 803, MedGen C0002736, MONDO:0004976, HP:0007354.

Submission:

Department of Neurology, Brain Research Institute, Niigata University
Classification: Uncertain significance for Amyotrophic lateral sclerosis. Last evaluated: 2026-09-21. Review status: criteria provided, single submitter. Criteria: ACMG Guidelines, 2015. Collection method: research. Allele origin: unknown. Affected: yes.
Comment: This variant was absent from controls, including ExAC and gnomAD (PM2_Supporting). REVEL score of this variant is 0.808 (PP3_Moderate).